The following is an entry in ClinVar:

NM_005689.4(ABCB6):c.1921_1923del (p.Asp641del)

Gene: ABCB6 (ATP binding cassette subfamily B member 6 (LAN blood group); minus strand). Cytogenetic location: 2q35.
Variant type: Deletion.
Coding change: c.1921_1923del on transcript NM_005689.4 (MANE Select); coding-DNA positions 1921 to 1923, 3 bases deleted (GAC; older notation c.1921_1923delGAC).
Protein change: p.Asp641del; deletes aspartic acid 641.
Genome position (GRCh38, 1-based): chr2:219,212,432-219,212,434, GTC deleted on the plus strand (GAC on the coding strand, the reverse complement: ABCB6 is on the minus strand); deleting any 3 consecutive bases within chr2:219,212,432-219,212,436 gives the same sequence; the c. name uses the placement nearest the transcript's 3' end. VCF-style (leftmost placement, unchanged base first): chr2-219212431-TGTC-T. GRCh37 (hg19) VCF-style: chr2-220077153-TGTC-T.
Other names: c.1783_1785del, p.Asp595del (NM_001349828.2); short protein forms D595del, D641del.
Identifiers: ClinVar variation 4804437 (VCV004804437.1).

ClinVar aggregate classification (germline): Uncertain significance (1 of 4 stars; one submission).

Submission:

Labcorp Genetics (formerly Invitae), Labcorp
Classification: Uncertain significance. Last evaluated: 2025-12-23. Review status: criteria provided, single submitter. Criteria: Invitae Variant Classification Sherloc (09022015). Collection method: clinical testing. Allele origin: germline.
Comment: This variant, c.1921_1923del, results in the deletion of 1 amino acid(s) of the ABCB6 protein (p.Asp641del), but otherwise preserves the integrity of the reading frame. This variant is present in population databases (rs774269421, gnomAD 0.01%). This variant has not been reported in the literature in individuals affected with ABCB6-related conditions. In summary, the available evidence is currently insufficient to determine the role of this variant in disease. Therefore, it has been classified as a Variant of Uncertain Significance.